The following is an entry in ClinVar:

ClinVar aggregate classification (germline): Uncertain significance. Review status: reviewed by expert panel (3 of 4 stars). 3 submissions from 3 submitters: Uncertain significance (1). 2 of the submissions do not count toward it. Last evaluated 2025-02-04.

Conditions:
Mitochondrial disease. Also called: Mitochondrial disorder; Mitochondrial disorders. Identifiers: Orphanet 68380, MedGen C0751651, MeSH D028361, MONDO:0044970.
Cardiomyopathy, fatal. Identifiers: MedGen C4016613.

Submissions (3):

ClinGen Mitochondrial Disease Nuclear and Mitochondrial  Variant Curation Expert Panel, ClinGen
Classification: Uncertain significance for Mitochondrial disease. Last evaluated: 2025-02-04. Review status: reviewed by expert panel. Criteria: clingen mito disease acmg specifications v1-1. Collection method: curation. Allele origin: germline. Inheritance: Mitochondrial inheritance.
Comment: The variant was heteroplasmic in blood and muscle but the level was not specified, and his mother was found to have lower levels than the proband. This variant is absent in the MITOMAP GenBank dataset, gnomAD v3.1.2, and the Helix dataset (PM2_supporting). The computational predictor MitoTIP suggests this variant is pathogenic (82.8 percentile) and HmtVAR predicts it to be pathogenic with a score of 1 (PP3). Cybrid studies support the deleterious effect of this variant (PMID: 7518448; PS3_supporting). In summary, this variant meets criteria to be classified as uncertain significance for primary mitochondrial disease inherited in a mitochondrial manner. This classification was approved by the NICHD/NINDS U24 ClinGen Mitochondrial Disease Variant Curation Expert Panel on February 4, 2025. Mitochondrial DNA-specific ACMG/AMP criteria applied (PMID: 32906214): PM2_supporting, PP3, PS3_supporting.

Mendelics
Classification: Pathogenic for Mitochondrial disease. Last evaluated: 2022-05-04. Review status: criteria provided, single submitter. Criteria: Mendelics Assertion Criteria 2019. Collection method: clinical testing. Allele origin: germline. Not counted in ClinVar's aggregate classification.

OMIM
Classification: Pathogenic for CARDIOMYOPATHY, FATAL. Last evaluated: 1992-07-15. Review status: no assertion criteria provided. Collection method: literature only. Allele origin: germline. Not counted in ClinVar's aggregate classification.

Literature cited by the submitters: PubMed 1632786 (cited by OMIM).

NC_012920.1(MT-TI):m.4269A>G

Gene: MT-TI (mitochondrially encoded tRNA isoleucine; plus strand).
Variant type: single nucleotide variant.
Genome position: chrM-4269-A-G.
Other names: 4269A-G.
Identifiers: ClinVar variation 9602 (VCV000009602.3), dbSNP rs121434466, ClinGen allele CA120570.